The following is an entry in ClinVar:

ClinVar aggregate classification (germline): Uncertain significance (1 of 4 stars; one submission).

Submission:

GeneDx
Classification: Uncertain significance. Last evaluated: 2024-12-31. Review status: criteria provided, single submitter. Criteria: GeneDx Variant Classification Process June 2021. Collection method: clinical testing. Allele origin: germline. Affected: yes.
Comment: Not observed at significant frequency in large population cohorts (gnomAD); In silico analysis supports that this missense variant has a deleterious effect on protein structure/function; Has not been previously published as pathogenic or benign to our knowledge

NM_001297595.2(SIN3B):c.325A>G (p.Arg109Gly)

Gene: SIN3B (SIN3 transcription regulator family member B; plus strand). Cytogenetic location: 19p13.11.
Variant type: single nucleotide variant.
Coding change: c.325A>G on transcript NM_001297595.2 (MANE Select); coding-DNA position 325, A replaced by G.
Protein change: p.Arg109Gly; replaces arginine 109 with glycine.
Molecular consequence: missense variant.
Genome position (GRCh38, 1-based): chr19:16,831,591, A>G. VCF-style: chr19-16831591-A-G. GRCh37 (hg19) VCF-style: chr19-16942402-A-G.
Other names: c.325A>G, p.Arg109Gly (NM_015260.4); short protein forms R109G.
Identifiers: ClinVar variation 4055890 (VCV004055890.1).